The following is an entry in ClinVar:

ClinVar aggregate classification (germline): Uncertain significance (1 of 4 stars; one submission).

Conditions:
Combined immunodeficiency due to MALT1 deficiency. Also called: Immunodeficiency 12. Identifiers: Orphanet 397964, MedGen C3809583, MONDO:0014197, OMIM 615468.

Submission:

Labcorp Genetics (formerly Invitae), Labcorp
Classification: Uncertain significance for Immunodeficiency 12. Last evaluated: 2018-09-28. Review status: criteria provided, single submitter. Criteria: Invitae Variant Classification Sherloc (09022015). Collection method: clinical testing. Allele origin: germline.
Comment: This variant, c.2402_2404dupGTA, results in the insertion of 1 amino acid(s) to the MALT1 protein (p.Ser801dup), but otherwise preserves the integrity of the reading frame. This variant is not present in population databases (ExAC no frequency). This variant has not been reported in the literature in individuals with MALT1-related disease. Experimental studies and prediction algorithms are not available for this variant, and the functional significance of the affected amino acid(s) is currently unknown. In summary, the available evidence is currently insufficient to determine the role of this variant in disease. Therefore, it has been classified as a Variant of Uncertain Significance.

NM_006785.4(MALT1):c.2402_2404dup (p.Ser801dup)

Gene: MALT1 (MALT1 paracaspase; plus strand). Cytogenetic location: 18q21.32.
Variant type: Duplication.
Coding change: c.2402_2404dup on transcript NM_006785.4 (MANE Select); coding-DNA positions 2402 to 2404, 3 bases duplicated (GTA; older notation c.2402_2404dupGTA).
Protein change: p.Ser801dup; duplicates serine 801.
Molecular consequence: inframe insertion.
Genome position (GRCh38, 1-based): chr18:58,747,769-58,747,771, GTA duplicated; duplicating any 3 consecutive bases within chr18:58,747,768-58,747,771 gives the same sequence; the c. name uses the placement nearest the transcript's 3' end. VCF-style (leftmost placement, unchanged base first): chr18-58747767-A-AAGT. GRCh37 (hg19) VCF-style: chr18-56414999-A-AAGT.
Other names: c.2402_2404dup, p.Ser801dup (LRG_1221t1); c.2369_2371dup, p.Ser790dup (NM_173844.3).
Identifiers: ClinVar variation 663325 (VCV000663325.1), dbSNP rs1244830612, ClinGen allele CA780931163.